The following is an entry in ClinVar:

ClinVar aggregate classification (germline): Uncertain significance (1 of 4 stars; one submission).

Conditions:
Multiple congenital exostosis (EXT). Also called: MULTIPLE CARTILAGINOUS EXOSTOSES; Multiple exostoses; Hereditary multiple exostoses; Hereditary multiple exostosis; Multiple osteochondromas; Hereditary multiple osteochondromas. Identifiers: Orphanet 321, MedGen C0015306, MONDO:0005508, HP:0002762.

Submission:

Labcorp Genetics (formerly Invitae), Labcorp
Classification: Uncertain significance for Multiple congenital exostosis. Last evaluated: 2019-11-11. Review status: criteria provided, single submitter. Criteria: Invitae Variant Classification Sherloc (09022015). Collection method: clinical testing. Allele origin: germline.
Comment: Algorithms developed to predict the effect of missense changes on protein structure and function are either unavailable or do not agree on the potential impact of this missense change (SIFT: "Deleterious"; PolyPhen-2: "Probably Damaging"; Align-GVGD: "Class C0"). In summary, the available evidence is currently insufficient to determine the role of this variant in disease. Therefore, it has been classified as a Variant of Uncertain Significance. This variant has not been reported in the literature in individuals with EXT1-related conditions. This variant is not present in population databases (ExAC no frequency). This sequence change replaces proline with serine at codon 257 of the EXT1 protein (p.Pro257Ser). The proline residue is moderately conserved and there is a moderate physicochemical difference between proline and serine.

NM_000127.3(EXT1):c.769C>T (p.Pro257Ser)

Gene: EXT1 (exostosin glycosyltransferase 1; minus strand). Cytogenetic location: 8q24.11.
Variant type: single nucleotide variant.
Coding change: c.769C>T on transcript NM_000127.3 (MANE Select); coding-DNA position 769, C replaced by T.
Protein change: p.Pro257Ser; replaces proline 257 with serine.
Molecular consequence: missense variant.
Genome position (GRCh38, 1-based): chr8:118,110,278, G>A on the plus strand (C>T on the coding strand, the complement: EXT1 is on the minus strand). VCF-style: chr8-118110278-G-A. GRCh37 (hg19) VCF-style: chr8-119122517-G-A.
Other names: short protein forms P257S.
Identifiers: ClinVar variation 954265 (VCV000954265.9), dbSNP rs1817871592, ClinGen allele CA371915090.